The following is an entry in ClinVar:

ClinVar aggregate classification (germline): Pathogenic/Likely pathogenic. Review status: criteria provided, multiple submitters, no conflicts (2 of 4 stars). 2 submissions from 2 submitters: Pathogenic (1); Likely pathogenic (1). Last evaluated 2025-08-11.

Conditions:
Marfan syndrome (MFS). Also called: Marfan's syndrome; Marfan syndrome, classic; MARFAN SYNDROME, TYPE I; Marfan syndrome type 1; FBN1-Related Marfan Syndrome. Identifiers: Orphanet 284963, Orphanet 558, MedGen C0024796, MONDO:0007947, OMIM 154700.
Familial thoracic aortic aneurysm and aortic dissection (TAAD). Also called: Thoracic aortic aneurysms and dissections. Identifiers: Orphanet 91387, MedGen C4707243, MONDO:0019625.

Submissions (2):

Labcorp Genetics (formerly Invitae), Labcorp
Classification: Pathogenic for Marfan syndrome; Familial thoracic aortic aneurysm and aortic dissection. Last evaluated: 2025-08-11. Review status: criteria provided, single submitter. Criteria: Invitae Variant Classification Sherloc (09022015). Collection method: clinical testing. Allele origin: germline.
Comment: This sequence change replaces cysteine, which is neutral and slightly polar, with tyrosine, which is neutral and polar, at codon 186 of the FBN1 protein (p.Cys186Tyr). This variant is not present in population databases (gnomAD no frequency). This missense change has been observed in individuals with Marfan syndrome and/or thoracic aortic aneurysm and aortic dissection (PMID: 31098894, 34498425; internal data). ClinVar contains an entry for this variant (Variation ID: 1748414). Invitae Evidence Modeling of protein sequence and biophysical properties (such as structural, functional, and spatial information, amino acid conservation, physicochemical variation, residue mobility, and thermodynamic stability) indicates that this missense variant is expected to disrupt FBN1 protein function with a positive predictive value of 95%. This variant affects a cysteine residue in the EGF-like, TGFBP or hybrid motif domains of FBN1. Cysteine residues are believed to be involved in intramolecular disulfide bridges and have been shown to be important for FBN1 protein structure (PMID: 16905551, 19349279). In addition, missense substitutions affecting cysteine residues within these domains are significantly overrepresented among patients with Marfan syndrome (PMID: 16571647, 17701892). This variant disrupts the p.Cys186 amino acid residue in FBN1. Other variant(s) that disrupt this residue have been observed in individuals with FBN1-related conditions (PMID: 34318135), which suggests that this may be a clinically significant amino acid residue. For these reasons, this variant has been classified as Pathogenic.

Ambry Genetics
Classification: Likely pathogenic for Familial thoracic aortic aneurysm and aortic dissection. Last evaluated: 2022-01-18. Review status: criteria provided, single submitter. Criteria: Ambry Variant Classification Scheme 2023. Collection method: clinical testing. Allele origin: germline.
Comment: The p.C186Y variant (also known as c.557G>A), located in coding exon 6 of the FBN1 gene, results from a G to A substitution at nucleotide position 557. The cysteine at codon 186 is replaced by tyrosine, an amino acid with highly dissimilar properties, and is located in TB domain 1. The majority of FBN1 mutations identified to date have involved the substitution or generation of cysteine residues within cbEGF domains (Vollbrandt T et al. J Biol Chem. 2004;279(31):32924-32931). In addition, cysteine changes in the TB domains of FBN1 have also been reported in individuals with Marfan syndrome (Dong J et al. Mol. Vis., 2012 Jan;18:81-6). Based on internal structural assessment, this alteration disrupts a structurally important disulfide bond in TB domain 1 (Lee SS et al. Structure, 2004 Apr;12:717-29). This amino acid position is highly conserved in available vertebrate species. In addition, this alteration is predicted to be deleterious by in silico analysis. Based on the majority of available evidence to date, this variant is likely to be pathogenic.

Literature cited by the submitters: PubMed 31098894 (cited by Labcorp Genetics (formerly Invitae), Labcorp and Ambry Genetics); PubMed 34498425 (cited by Labcorp Genetics (formerly Invitae), Labcorp); PubMed 16905551 (cited by Labcorp Genetics (formerly Invitae), Labcorp); PubMed 19349279 (cited by Labcorp Genetics (formerly Invitae), Labcorp); PubMed 16571647 (cited by Labcorp Genetics (formerly Invitae), Labcorp); PubMed 17701892 (cited by Labcorp Genetics (formerly Invitae), Labcorp); PubMed 34318135 (cited by Labcorp Genetics (formerly Invitae), Labcorp); PubMed 15062093 (cited by Ambry Genetics); PubMed 22262941 (cited by Ambry Genetics); PubMed 22438950 (cited by Ambry Genetics).

NM_000138.5(FBN1):c.557G>A (p.Cys186Tyr)

Gene: FBN1 (fibrillin 1; minus strand). Cytogenetic location: 15q21.1.
Variant type: single nucleotide variant.
Coding change: c.557G>A on transcript NM_000138.5 (MANE Select); coding-DNA position 557, G replaced by A.
Protein change: p.Cys186Tyr; replaces cysteine 186 with tyrosine.
Molecular consequence: missense variant.
Genome position (GRCh38, 1-based): chr15:48,537,790, C>T on the plus strand (G>A on the coding strand, the complement: FBN1 is on the minus strand). VCF-style: chr15-48537790-C-T. GRCh37 (hg19) VCF-style: chr15-48829987-C-T.
Other names: c.557G>A, p.Cys186Tyr (NM_001406716.1, NM_001406717.1); short protein forms C186Y.
Identifiers: ClinVar variation 1748414 (VCV001748414.4), dbSNP rs2505661631, ClinGen allele CA392446164.
Genomic context (GRCh38, chr15:48,537,790, plus strand): 5'-TTTGTGCAGACAATCCCGCTGAGTTGTCCCTGGCACATCTGGTTGCTGATCACAGTAAAA[C>T]ATGGGCCTGTCCTGTAATCTGAAAATAAAGAATAAAAATCTGATGAAAATCCAGAAAAGC-3'
Protein context (NP_000129.3, residues 176-196): QCERDYRTGP[Cys186Tyr]FTVISNQMCQ